The following is an entry in ClinVar:

NM_032608.7(MYO18B):c.4178C>T (p.Pro1393Leu)

Gene: MYO18B (myosin XVIIIB; plus strand). Cytogenetic location: 22q12.1.
Variant type: single nucleotide variant.
Coding change: c.4178C>T on transcript NM_032608.7 (MANE Select); coding-DNA position 4178, C replaced by T.
Protein change: p.Pro1393Leu; replaces proline 1393 with leucine.
Molecular consequence: missense variant.
Genome position (GRCh38, 1-based): chr22:25,876,286, C>T. VCF-style: chr22-25876286-C-T. GRCh37 (hg19) VCF-style: chr22-26272253-C-T.
Other names: c.4181C>T, p.Pro1394Leu (NM_001318245.2); short protein forms P1393L, P1394L.
Identifiers: ClinVar variation 1716108 (VCV001716108.5), dbSNP rs2517717200, ClinGen allele CA411007506.
Genomic context (GRCh38, chr22:25,876,286, plus strand): 5'-TGGCTGTGTTCCTCGCAGTCAAGGACTGGCCATGGTGGCAGCTGCTTGGTTCCCTCCAGC[C>T]TCTACTTAGTGCCACCATTGGAACTGAGCAGCTCCGAGCCAAGGAGGTCAGTCTATGTGG-3'
Protein context (NP_115997.5, residues 1383-1403): PWWQLLGSLQ[Pro1393Leu]LLSATIGTEQ

ClinVar aggregate classification (germline): Uncertain significance (1 of 4 stars; one submission).

Submission:

Labcorp Genetics (formerly Invitae), Labcorp
Classification: Uncertain significance. Last evaluated: 2022-08-11. Review status: criteria provided, single submitter. Criteria: Invitae Variant Classification Sherloc (09022015). Collection method: clinical testing. Allele origin: germline.
Comment: In summary, the available evidence is currently insufficient to determine the role of this variant in disease. Therefore, it has been classified as a Variant of Uncertain Significance. Algorithms developed to predict the effect of missense changes on protein structure and function are either unavailable or do not agree on the potential impact of this missense change (SIFT: "Not Available"; PolyPhen-2: "Probably Damaging"; Align-GVGD: "Not Available"). This variant has not been reported in the literature in individuals affected with MYO18B-related conditions. This sequence change replaces proline, which is neutral and non-polar, with leucine, which is neutral and non-polar, at codon 1393 of the MYO18B protein (p.Pro1393Leu). This variant is not present in population databases (gnomAD no frequency).